The following is an entry in ClinVar:

NM_020937.4(FANCM):c.5344G>A (p.Gly1782Ser)

Gene: FANCM (FA complementation group M; plus strand). Cytogenetic location: 14q21.2.
Variant type: single nucleotide variant.
Coding change: c.5344G>A on transcript NM_020937.4 (MANE Select); coding-DNA position 5344, G replaced by A.
Protein change: p.Gly1782Ser; replaces glycine 1782 with serine.
Molecular consequence: missense variant.
Genome position (GRCh38, 1-based): chr14:45,196,175, G>A. VCF-style: chr14-45196175-G-A. GRCh37 (hg19) VCF-style: chr14-45665378-G-A.
Other names: c.5266G>A, p.Gly1756Ser (NM_001308133.2); short protein forms G1756S, G1782S.
Identifiers: ClinVar variation 4254598 (VCV004254598.1).

ClinVar aggregate classification (germline): Uncertain significance (1 of 4 stars; one submission).

Conditions:
Inborn genetic diseases. Identifiers: MedGen C0950123, MeSH D030342.

Submission:

Ambry Genetics
Classification: Uncertain significance for Inborn genetic diseases. Last evaluated: 2025-07-18. Review status: criteria provided, single submitter. Criteria: Ambry Variant Classification Scheme 2023. Collection method: clinical testing. Allele origin: germline.
Comment: The p.G1782S variant (also known as c.5344G>A), located in coding exon 21 of the FANCM gene, results from a G to A substitution at nucleotide position 5344. The glycine at codon 1782 is replaced by serine, an amino acid with similar properties. This amino acid position is conserved. In addition, this alteration is predicted to be tolerated by in silico analysis. Based on the available evidence, the clinical significance of this variant remains unclear.